The following is an entry in ClinVar:

ClinVar aggregate classification (germline): Likely benign. Review status: criteria provided, multiple submitters, no conflicts (2 of 4 stars). 3 submissions from 3 submitters: Likely benign (3). Last evaluated 2025-12-23.

Conditions:
CRX-related disorder. Also called: CRX-related condition.
Cone-rod dystrophy 2 (CORD2). Also called: CONE-ROD RETINAL DYSTROPHY; Cone-rod retinal dystrophy 2. Identifiers: Orphanet 1872, MedGen C3489532, MONDO:0007362, OMIM 120970.
Leber congenital amaurosis 7 (LCA7). Identifiers: Orphanet 65, MedGen C3151192, MONDO:0013449, OMIM 613829.

Allele frequency attached by ClinVar (database versions not stated): gnomAD exomes 0.00002 and 0.00006; ExAC 0.00007; gnomAD 0.00018 and 0.00023; TOPMed 0.00021; ESP Exome Variant Server 0.00046.
gnomAD v4.1: 54 of 1,613,268 alleles (0.0033%); highest among the groups gnomAD compares: African/African-American, 0.069%; no homozygotes.

Submissions (3):

Labcorp Genetics (formerly Invitae), Labcorp
Classification: Likely benign for Cone-rod dystrophy 2; Leber congenital amaurosis 7. Last evaluated: 2025-12-23. Review status: criteria provided, single submitter. Criteria: Invitae Variant Classification Sherloc (09022015). Collection method: clinical testing. Allele origin: germline.

PreventionGenetics, part of Exact Sciences
Classification: Likely benign for CRX-related condition. Last evaluated: 2025-12-19. Review status: criteria provided, single submitter. Criteria: ACMG Guidelines, 2015. Collection method: clinical testing. Allele origin: germline.
Comment: This variant is classified as likely benign based on ACMG/AMP sequence variant interpretation guidelines (Richards et al. 2015 PMID: 25741868, with internal and published modifications).

Blueprint Genetics
Classification: Likely benign. Last evaluated: 2022-09-07. Review status: criteria provided, single submitter. Criteria: ACMG Guidelines, 2015. Collection method: clinical testing. Allele origin: germline.

NM_000554.6(CRX):c.309G>A (p.Gln103=)

Gene: CRX (cone-rod homeobox; plus strand). Cytogenetic location: 19q13.33.
Variant type: single nucleotide variant.
Coding change: c.309G>A on transcript NM_000554.6 (MANE Select); coding-DNA position 309, G replaced by A.
Protein change: p.Gln103=; no amino-acid change (glutamine 103 retained).
Molecular consequence: synonymous variant.
Genome position (GRCh38, 1-based): chr19:47,839,376, G>A. VCF-style: chr19-47839376-G-A. GRCh37 (hg19) VCF-style: chr19-48342633-G-A.
Other names: c.309G>A (NM_000554.5).
Identifiers: ClinVar variation 1120319 (VCV001120319.11), dbSNP rs138242846, ClinGen allele CA9544462.
Genomic context (GRCh38, chr19:47,839,376, plus strand): 5'-CCAGGTTTGGTTCAAGAACCGGAGGGCTAAATGCAGGCAGCAGCGACAGCAGCAGAAACA[G>A]CAGCAGCAGCCCCCAGGGGGCCAGGCCAAGGCCCGGCCTGCCAAGAGGAAGGCGGGCACG-3'
Protein context (NP_000545.1, residues 93-113): KCRQQRQQQK[Gln103=]QQQPPGGQAK